The following is an entry in ClinVar:

ClinVar aggregate classification (germline): Likely benign. Review status: criteria provided, multiple submitters, no conflicts (2 of 4 stars). 7 submissions from 7 submitters: Likely benign (2). 5 of the submissions do not count toward it. Last evaluated 2025-12-24.

Conditions:
MYPN-related disorder. Also called: MYPN-related condition.
Cardiovascular phenotype. Identifiers: MedGen CN230736.
Dilated cardiomyopathy 1KK (CMD1KK). Identifiers: Orphanet 154, Orphanet 75249, MedGen C3714995, MONDO:0014100, OMIM 615248.

Allele frequency attached by ClinVar (database versions not stated): gnomAD exomes below 0.00001 and 0.00001; ExAC 0.00002; gnomAD 0.00002; TOPMed 0.00002.
gnomAD v4.1: 23 of 1,614,108 alleles (0.0014%); highest among the groups gnomAD compares: Non-Finnish European, 0.0017%; no homozygotes.

Submissions (7):

Labcorp Genetics (formerly Invitae), Labcorp
Classification: Likely benign for Dilated cardiomyopathy 1KK. Last evaluated: 2025-12-24. Review status: criteria provided, single submitter. Criteria: Invitae Variant Classification Sherloc (09022015). Collection method: clinical testing. Allele origin: germline.

Ambry Genetics
Classification: Likely benign for Cardiovascular phenotype. Last evaluated: 2023-08-29. Review status: criteria provided, single submitter. Criteria: Ambry Variant Classification Scheme 2023. Collection method: clinical testing. Allele origin: germline.

PreventionGenetics, part of Exact Sciences
Classification: Likely benign for MYPN-related condition. Last evaluated: 2020-04-07. Review status: no assertion criteria provided. Collection method: clinical testing. Allele origin: germline. Not counted in ClinVar's aggregate classification.
Comment: This variant is classified as likely benign based on ACMG/AMP sequence variant interpretation guidelines (Richards et al. 2015 PMID: 25741868, with internal and published modifications).

Clinical Genetics DNA and cytogenetics Diagnostics Lab, Erasmus MC, Erasmus Medical Center
Classification: Likely benign. Review status: no assertion criteria provided. Collection method: clinical testing. Allele origin: germline. Affected: yes. Study: VKGL Data-share Consensus. Not counted in ClinVar's aggregate classification.

Clinical Genetics, Academic Medical Center
Classification: Benign. Review status: no assertion criteria provided. Collection method: clinical testing. Allele origin: germline. Affected: yes. Study: VKGL Data-share Consensus. Not counted in ClinVar's aggregate classification.

Diagnostic Laboratory, Department of Genetics, University Medical Center Groningen
Classification: Likely benign. Review status: no assertion criteria provided. Collection method: clinical testing. Allele origin: germline. Affected: yes. Study: VKGL Data-share Consensus. Not counted in ClinVar's aggregate classification.

Joint Genome Diagnostic Labs from Nijmegen and Maastricht, Radboudumc and MUMC+
Classification: Likely benign. Review status: no assertion criteria provided. Collection method: clinical testing. Allele origin: germline. Affected: yes. Study: VKGL Data-share Consensus. Not counted in ClinVar's aggregate classification.

NM_032578.4(MYPN):c.3711G>A (p.Lys1237=)

Gene: MYPN (myopalladin; plus strand). Cytogenetic location: 10q21.3.
Variant type: single nucleotide variant.
Coding change: c.3711G>A on transcript NM_032578.4 (MANE Select); coding-DNA position 3711, G replaced by A.
Protein change: p.Lys1237=; no amino-acid change (lysine 1237 retained).
Molecular consequence: synonymous variant. On other transcripts: non-coding transcript variant (2).
Genome position (GRCh38, 1-based): chr10:68,206,821, G>A. VCF-style: chr10-68206821-G-A. GRCh37 (hg19) VCF-style: chr10-69966578-G-A.
Other names: c.3711G>A, p.Lys1237= (NM_001256267.2); c.2829G>A, p.Lys943= (NM_001256268.2); c.3711G>A (NM_032578.2, NM_032578.3).
Identifiers: ClinVar variation 1111450 (VCV001111450.20), dbSNP rs773992843, ClinGen allele CA5523130.
Genomic context (GRCh38, chr10:68,206,821, plus strand): 5'-TTTCTCCAGTATGCACCAGGACACAACAGGGTATGCCTGCCTTCTCATTCAGCCAGCCAA[G>A]AAATCAGACGCTGGATGGTACACGTTGTCAGCCAAGAATGAAGCCGGCATCGTGTCGTGC-3'
Protein context (NP_115967.2, residues 1227-1247): GYACLLIQPA[Lys1237=]KSDAGWYTLS